The following is an entry in ClinVar:

NM_145038.5(DRC1):c.1172C>T (p.Ala391Val)

Gene: DRC1 (dynein regulatory complex subunit 1; plus strand). Cytogenetic location: 2p23.3.
Variant type: single nucleotide variant.
Coding change: c.1172C>T on transcript NM_145038.5 (MANE Select); coding-DNA position 1172, C replaced by T.
Protein change: p.Ala391Val; replaces alanine 391 with valine.
Molecular consequence: missense variant.
Genome position (GRCh38, 1-based): chr2:26,444,724, C>T. VCF-style: chr2-26444724-C-T. GRCh37 (hg19) VCF-style: chr2-26667592-C-T.
Other names: c.1172C>T (NM_145038.2); short protein forms A391V.
Identifiers: ClinVar variation 454977 (VCV000454977.10), dbSNP rs148372110, ClinGen allele CA1562165.

ClinVar aggregate classification (germline): Uncertain significance. Review status: criteria provided, multiple submitters, no conflicts (2 of 4 stars). 2 submissions from 2 submitters: Uncertain significance (2). Last evaluated 2024-12-17.

Conditions:
Inborn genetic diseases. Identifiers: MedGen C0950123, MeSH D030342.
Primary ciliary dyskinesia. Also called: Ciliary dyskinesia. Identifiers: Orphanet 244, MedGen C0008780, MONDO:0016575, HP:0012265.

Allele frequency attached by ClinVar (database versions not stated): gnomAD exomes 0.00029 and 0.00037; ExAC 0.00034; ESP Exome Variant Server 0.00038; gnomAD 0.00048 and 0.00049; TOPMed 0.00057.
gnomAD v4.1: 612 of 1,613,980 alleles (0.038%); highest among the groups gnomAD compares: Admixed American, 0.067%; 1 homozygote.

Submissions (2):

Labcorp Genetics (formerly Invitae), Labcorp
Classification: Uncertain significance for Primary ciliary dyskinesia. Last evaluated: 2024-12-17. Review status: criteria provided, single submitter. Criteria: Invitae Variant Classification Sherloc (09022015). Collection method: clinical testing. Allele origin: germline.
Comment: This sequence change replaces alanine, which is neutral and non-polar, with valine, which is neutral and non-polar, at codon 391 of the DRC1 protein (p.Ala391Val). This variant is present in population databases (rs148372110, gnomAD 0.06%). This variant has not been reported in the literature in individuals affected with DRC1-related conditions. ClinVar contains an entry for this variant (Variation ID: 454977). An algorithm developed to predict the effect of missense changes on protein structure and function outputs the following: PolyPhen-2: "Benign". The valine amino acid residue is found in multiple mammalian species, which suggests that this missense change does not adversely affect protein function. In summary, the available evidence is currently insufficient to determine the role of this variant in disease. Therefore, it has been classified as a Variant of Uncertain Significance.

Ambry Genetics
Classification: Uncertain significance for Inborn genetic diseases. Last evaluated: 2024-06-30. Review status: criteria provided, single submitter. Criteria: Ambry Variant Classification Scheme 2023. Collection method: clinical testing. Allele origin: germline.